The following is an entry in ClinVar:

NM_005236.3(ERCC4):c.241G>A (p.Val81Ile)

Gene: ERCC4 (ERCC excision repair 4, endonuclease catalytic subunit; plus strand). Cytogenetic location: 16p13.12.
Variant type: single nucleotide variant.
Coding change: c.241G>A on transcript NM_005236.3 (MANE Select); coding-DNA position 241, G replaced by A.
Protein change: p.Val81Ile; replaces valine 81 with isoleucine.
Molecular consequence: missense variant.
Genome position (GRCh38, 1-based): chr16:13,922,064, G>A. VCF-style: chr16-13922064-G-A. GRCh37 (hg19) VCF-style: chr16-14015921-G-A.
Other names: short protein forms V81I.
Identifiers: ClinVar variation 408562 (VCV000408562.13), dbSNP rs55761944, ClinGen allele CA7910134.

ClinVar aggregate classification (germline): Conflicting classifications of pathogenicity. Review status: criteria provided, conflicting classifications (1 of 4 stars). 3 submissions from 3 submitters: Uncertain significance (2); Likely benign (1). Last evaluated 2026-01-24.

Conditions:
Xeroderma pigmentosum, group F (XPF). Also called: XERODERMA PIGMENTOSUM, COMPLEMENTATION GROUP F; XERODERMA PIGMENTOSUM VI; XP, GROUP F; ERCC4-Related Xeroderma Pigmentosum; XERODERMA PIGMENTOSUM, TYPE F; Xeroderma pigmentosum, type 6. Identifiers: MedGen C0268140, MONDO:0010215, OMIM 278760.
Cockayne syndrome. Identifiers: Orphanet 191, MedGen C0009207, MONDO:0016006.
Fanconi anemia complementation group Q. Identifiers: Orphanet 84, MedGen C3808988, MONDO:0014108, OMIM 615272.
XFE progeroid syndrome (XFEPS). Also called: XPF-ERCC1 PROGEROID SYNDROME. Identifiers: MedGen C1970416, MONDO:0012590, OMIM 610965.

Allele frequency attached by ClinVar (database versions not stated): TOPMed 0.00018; ESP Exome Variant Server 0.00031; 1000 Genomes Project 0.00040; 1000 Genomes Project 30x 0.00047.
gnomAD v4.1: 52 of 1,613,870 alleles (0.0032%); highest among the groups gnomAD compares: African/African-American, 0.065%; no homozygotes.

Submissions (3):

Labcorp Genetics (formerly Invitae), Labcorp
Classification: Likely benign for Fanconi anemia complementation group Q; Xeroderma pigmentosum, group F; Cockayne syndrome. Last evaluated: 2026-01-24. Review status: criteria provided, single submitter. Criteria: Invitae Variant Classification Sherloc (09022015). Collection method: clinical testing. Allele origin: germline.

GeneDx
Classification: Uncertain significance. Last evaluated: 2024-07-02. Review status: criteria provided, single submitter. Criteria: GeneDx Variant Classification Process June 2021. Collection method: clinical testing. Allele origin: germline. Affected: yes.
Comment: In silico analysis indicates that this missense variant does not alter protein structure/function; Has not been previously published as pathogenic or benign to our knowledge

Fulgent Genetics
Classification: Uncertain significance for Xeroderma pigmentosum, group F; XFE progeroid syndrome; Fanconi anemia complementation group Q. Last evaluated: 2022-01-24. Review status: criteria provided, single submitter. Criteria: ACMG Guidelines, 2015. Collection method: clinical testing. Allele origin: unknown.